The following is an entry in ClinVar:

ClinVar aggregate classification (germline): Uncertain significance. Review status: criteria provided, multiple submitters, no conflicts (2 of 4 stars). 2 submissions from 2 submitters: Uncertain significance (2). Last evaluated 2025-10-02.

Conditions:
Age related macular degeneration 4. Identifiers: MedGen C1853147, MONDO:0012540, OMIM 610698.

gnomAD v4.1: 1 of 1,613,882 alleles (0.000062%); highest among the groups gnomAD compares: Non-Finnish European, 0.000085%; no homozygotes.

Submissions (2):

Genomenon, Inc
Classification: Uncertain significance for Age related macular degeneration 4. Last evaluated: 2025-10-02. Review status: criteria provided, single submitter. Criteria: Genomenon Sequence Variant Interpretation Standards - Updated. Collection method: curation. Allele origin: germline. Affected: yes.
Comment: CFH p.His699Arg (c.2096A>G) is a missense variant that changes the amino acid at residue 699 from Histidine to Arginine. This variant has been observed in at least one proband affected with age-related macular degeneration (PMID:26501415). It is absent or not present at a significant frequency in gnomAD. In conclusion, we classify CFH p.His699Arg (c.2096A>G) as a variant of uncertain significance.

Blueprint Genetics
Classification: Uncertain significance. Last evaluated: 2018-07-25. Review status: criteria provided, single submitter. Criteria: ACMG Guidelines, 2015. Collection method: clinical testing. Allele origin: germline.

Literature cited by the submitters: PubMed 26501415 (cited by Genomenon, Inc).

NM_000186.4(CFH):c.2096A>G (p.His699Arg)

Gene: CFH (complement factor H; plus strand). Cytogenetic location: 1q31.3.
Variant type: single nucleotide variant.
Coding change: c.2096A>G on transcript NM_000186.4 (MANE Select); coding-DNA position 2096, A replaced by G.
Protein change: p.His699Arg; replaces histidine 699 with arginine.
Molecular consequence: missense variant.
Genome position (GRCh38, 1-based): chr1:196,726,800, A>G. VCF-style: chr1-196726800-A-G. GRCh37 (hg19) VCF-style: chr1-196695930-A-G.
Other names: short protein forms H699R.
Identifiers: ClinVar variation 4291446 (VCV004291446.2).